The following is an entry in ClinVar:

ClinVar aggregate classification (germline): Uncertain significance. Review status: criteria provided, multiple submitters, no conflicts (2 of 4 stars). 2 submissions from 2 submitters: Uncertain significance (2). Last evaluated 2024-04-29.

Conditions:
Ataxia-telangiectasia syndrome (AT). Also called: ATAXIA-TELANGIECTASIA, COMPLEMENTATION GROUP A; Ataxia-telangiectasia, complementation group E; Cerebello-oculocutaneous telangiectasia; Immunodeficiency with ataxia telangiectasia; LOUIS-BAR SYNDROME; ATAXIA-TELANGIECTASIA, FRESNO VARIANT. Identifiers: Orphanet 100, MedGen C0004135, MONDO:0008840, OMIM 208900.
Hereditary cancer-predisposing syndrome. Also called: Hereditary Cancer Syndrome; Tumor predisposition; Neoplastic Syndromes, Hereditary; Hereditary neoplastic syndrome. Identifiers: Orphanet 140162, MedGen C0027672, MeSH D009386, MONDO:0015356.

Submissions (2):

Labcorp Genetics (formerly Invitae), Labcorp
Classification: Uncertain significance for Ataxia-telangiectasia syndrome. Last evaluated: 2024-04-29. Review status: criteria provided, single submitter. Criteria: Invitae Variant Classification Sherloc (09022015). Collection method: clinical testing. Allele origin: germline.
Comment: This sequence change replaces aspartic acid, which is acidic and polar, with tyrosine, which is neutral and polar, at codon 1080 of the ATM protein (p.Asp1080Tyr). This variant is not present in population databases (gnomAD no frequency). This variant has not been reported in the literature in individuals affected with ATM-related conditions. An algorithm developed to predict the effect of missense changes on protein structure and function (PolyPhen-2) suggests that this variant is likely to be disruptive. In summary, the available evidence is currently insufficient to determine the role of this variant in disease. Therefore, it has been classified as a Variant of Uncertain Significance.

Ambry Genetics
Classification: Uncertain significance for Hereditary cancer-predisposing syndrome. Last evaluated: 2024-01-20. Review status: criteria provided, single submitter. Criteria: Ambry Variant Classification Scheme 2023. Collection method: clinical testing. Allele origin: germline.
Comment: The p.D1080Y variant (also known as c.3238G>T), located in coding exon 21 of the ATM gene, results from a G to T substitution at nucleotide position 3238. The aspartic acid at codon 1080 is replaced by tyrosine, an amino acid with highly dissimilar properties. This amino acid position is conserved. In addition, this alteration is predicted to be deleterious by in silico analysis. Based on the available evidence, the clinical significance of this alteration remains unclear.

NM_000051.4(ATM):c.3238G>T (p.Asp1080Tyr)

Gene: ATM (ATM serine/threonine kinase; plus strand). Cytogenetic location: 11q22.3.
Variant type: single nucleotide variant.
Coding change: c.3238G>T on transcript NM_000051.4 (MANE Select); coding-DNA position 3238, G replaced by T.
Protein change: p.Asp1080Tyr; replaces aspartic acid 1080 with tyrosine.
Molecular consequence: missense variant.
Genome position (GRCh38, 1-based): chr11:108,272,806, G>T. VCF-style: chr11-108272806-G-T. GRCh37 (hg19) VCF-style: chr11-108143533-G-T.
Other names: c.3238G>T, p.Asp1080Tyr (NM_001351834.2); short protein forms D1080Y.
Identifiers: ClinVar variation 3232915 (VCV003232915.3), dbSNP rs2135572059, ClinGen allele CA382515973.
Genomic context (GRCh38, chr11:108,272,806, plus strand): 5'-ATTCTTAATGTAATGGGAAAAGACTTTCCTGTAAATGAAGTATTTACACAATTTCTTGCT[G>T]ACAATCATCACCAAGTTCGCATGTTGGCTGCAGAGTCAATCAATAGGTAATGGGTCAAAT-3'
Protein context (NP_000042.3, residues 1070-1090): VNEVFTQFLA[Asp1080Tyr]NHHQVRMLAA